The following is an entry in ClinVar:

ClinVar aggregate classification (germline): Pathogenic (1 of 4 stars; one submission).

Conditions:
Fabry disease. Also called: ALPHA-GALACTOSIDASE A DEFICIENCY; ANDERSON-FABRY DISEASE; CERAMIDE TRIHEXOSIDASE DEFICIENCY; GLA DEFICIENCY; HEREDITARY DYSTOPIC LIPIDOSIS; Angiokeratoma corporis diffusum. Identifiers: Orphanet 324, MedGen C0002986, MONDO:0010526, OMIM 301500, HP:0001071. Disease mechanism: Fabry disease is due to inactivating mutations in the X-linked GLA gene resulting in deficiency of the enzyme Alpha Galactosidase-A., loss of function.

Submission:

Genomenon, Inc
Classification: Pathogenic for Fabry disease. Last evaluated: 2026-09-08. Review status: criteria provided, single submitter. Criteria: Genomenon Sequence Variant Interpretation Standards - Updated. Collection method: curation. Allele origin: germline. Affected: yes.
Comment: GLA p.Glu59GlyfsTer62 (c.176del) is a frameshift variant that is predicted to introduce a premature termination codon and result in a truncated or absent protein product. This variant has been observed in at least one proband with clinical features consistent with Fabry disease (PMID:30988410). It is absent or not present at a significant frequency in gnomAD. In conclusion, we classify GLA p.Glu59GlyfsTer62 (c.176del) as a pathogenic variant.

Literature cited by the submitters: PubMed 30988410.

NM_000169.3(GLA):c.176del (p.Glu59fs)

Genes: GLA (galactosidase alpha; minus strand), RPL36A-HNRNPH2 (RPL36A-HNRNPH2 readthrough; plus strand). Cytogenetic location: Xq22.1.
Variant type: Deletion.
Coding change: c.176del on transcript NM_000169.3 (MANE Select); coding-DNA position 176, one base deleted (A; older notation c.176delA).
Protein change: p.Glu59fs; shifts the reading frame from glutamic acid 59.
Molecular consequence: frameshift variant. On other transcripts: non-coding transcript variant (3), intron variant (2).
Genome position (GRCh38, 1-based): chrX:101,407,728, T deleted on the plus strand (A on the coding strand, the reverse complement: GLA is on the minus strand). VCF-style (leftmost placement, unchanged base first): chrX-101407727-CT-C. GRCh37 (hg19) VCF-style: chrX-100662715-CT-C.
Other names: c.176del, p.Glu59fs (NM_001406747.1, NM_001406748.1, NM_001406749.1); c.301-4208del (NM_001199973.2); c.178-4208del (NM_001199974.2); short protein forms E59fs.
Identifiers: ClinVar variation 4087268 (VCV004087268.2).
Genomic context (GRCh38, chrX:101,407,727, plus strand): 5'-CACATGGAAAAGCAAAGGGAAGGGAGTACCCAATATCTGATACCTGATGCAGGAATCTGG[CT>C]CTTCCTGGCAGTCAAGGTTGCACATGAAGCGCTCCCAGTGCAGCCAGCCCATGGTAGGCG-3'